The following is an entry in ClinVar:

ClinVar aggregate classification (germline): Uncertain significance (1 of 4 stars; one submission).

Conditions:
Familial focal epilepsy with variable foci (FPEVF). Identifiers: Orphanet 98820, MedGen C1858477, MONDO:0020310.

Submission:

Labcorp Genetics (formerly Invitae), Labcorp
Classification: Uncertain significance for Familial focal epilepsy with variable foci. Last evaluated: 2019-07-09. Review status: criteria provided, single submitter. Criteria: Invitae Variant Classification Sherloc (09022015). Collection method: clinical testing. Allele origin: germline.
Comment: This variant has not been reported in the literature in individuals with DEPDC5-related disease. This variant is not present in population databases (ExAC no frequency). This sequence change replaces serine with isoleucine at codon 1593 of the DEPDC5 protein (p.Ser1593Ile). The serine residue is moderately conserved and there is a large physicochemical difference between serine and isoleucine. Algorithms developed to predict the effect of missense changes on protein structure and function are either unavailable or do not agree on the potential impact of this missense change (SIFT: "Deleterious"; PolyPhen-2: Not Available; Align-GVGD: "Class C0"). In summary, the available evidence is currently insufficient to determine the role of this variant in disease. Therefore, it has been classified as a Variant of Uncertain Significance.

NM_001242896.3(DEPDC5):c.4778G>T (p.Ser1593Ile)

Gene: DEPDC5 (DEP domain containing 5, GATOR1 subcomplex subunit; plus strand). Cytogenetic location: 22q12.3.
Variant type: single nucleotide variant.
Coding change: c.4778G>T on transcript NM_001242896.3 (MANE Select); coding-DNA position 4778, G replaced by T.
Protein change: p.Ser1593Ile; replaces serine 1593 with isoleucine.
Molecular consequence: missense variant. On other transcripts: non-coding transcript variant (5).
Genome position (GRCh38, 1-based): chr22:31,906,463, G>T. VCF-style: chr22-31906463-G-T. GRCh37 (hg19) VCF-style: chr22-32302449-G-T.
Other names: c.4751G>T, p.Ser1584Ile (NM_001136029.4); c.4478G>T, p.Ser1493Ile (NM_001242897.2); c.4712G>T, p.Ser1571Ile (NM_001363852.2, NM_001364320.2); c.4544G>T, p.Ser1515Ile (NM_001363854.2, NM_001364319.2); c.4778G>T, p.Ser1593Ile (NM_001364318.2); c.4694G>T, p.Ser1565Ile (NM_001369901.1, NM_001369902.1); c.4685G>T, p.Ser1562Ile (NM_001369903.1, NM_014662.6); short protein forms S1571I, S1584I, S1493I, S1562I, S1593I, S1515I, S1565I.
Identifiers: ClinVar variation 655622 (VCV000655622.10), dbSNP rs1603019516, ClinGen allele CA411293270.